The following is an entry in ClinVar:

ClinVar aggregate classification (germline): Uncertain significance (1 of 4 stars; one submission).

Conditions:
Spermatogenic failure 18. Identifiers: MedGen C4539783, MONDO:0054615, OMIM 617576.
Ciliary dyskinesia, primary, 37 (CILD37). Also called: CILIARY DYSKINESIA, PRIMARY, 37, WITH OR WITHOUT SITUS INVERSUS. Identifiers: MedGen C4539798, MONDO:0033204, OMIM 617577.

Allele frequency attached by ClinVar (database versions not stated): ExAC 0.00001; gnomAD exomes 0.00001; gnomAD 0.00002; TOPMed 0.00002.
gnomAD v4.1: 77 of 1,613,836 alleles (0.0048%); highest among the groups gnomAD compares: Non-Finnish European, 0.0061%; no homozygotes.

Submission:

Labcorp Genetics (formerly Invitae), Labcorp
Classification: Uncertain significance for Ciliary dyskinesia, primary, 37; Spermatogenic failure 18. Last evaluated: 2021-11-15. Review status: criteria provided, single submitter. Criteria: Invitae Variant Classification Sherloc (09022015). Collection method: clinical testing. Allele origin: germline.
Comment: In summary, the available evidence is currently insufficient to determine the role of this variant in disease. Therefore, it has been classified as a Variant of Uncertain Significance. Algorithms developed to predict the effect of missense changes on protein structure and function (SIFT, PolyPhen-2, Align-GVGD) all suggest that this variant is likely to be disruptive. This variant has not been reported in the literature in individuals affected with DNAH1-related conditions. This variant is present in population databases (rs747073645, gnomAD 0.004%). This sequence change replaces arginine, which is basic and polar, with histidine, which is basic and polar, at codon 2002 of the DNAH1 protein (p.Arg2002His).

NM_015512.5(DNAH1):c.6005G>A (p.Arg2002His)

Gene: DNAH1 (dynein axonemal heavy chain 1; plus strand). Cytogenetic location: 3p21.1.
Variant type: single nucleotide variant.
Coding change: c.6005G>A on transcript NM_015512.5 (MANE Select); coding-DNA position 6005, G replaced by A.
Protein change: p.Arg2002His; replaces arginine 2002 with histidine.
Molecular consequence: missense variant.
Genome position (GRCh38, 1-based): chr3:52,369,886, G>A. VCF-style: chr3-52369886-G-A. GRCh37 (hg19) VCF-style: chr3-52403902-G-A.
Other names: c.6005G>A (NM_015512.4); short protein forms R2002H.
Identifiers: ClinVar variation 1425996 (VCV001425996.7), dbSNP rs747073645, ClinGen allele CA2434396.